The following is an entry in ClinVar:

NM_012123.4(MTO1):c.547A>G (p.Thr183Ala)

Gene: MTO1 (mitochondrial tRNA translation optimization 1; plus strand). Cytogenetic location: 6q13.
Variant type: single nucleotide variant.
Coding change: c.547A>G on transcript NM_012123.4 (MANE Select); coding-DNA position 547, A replaced by G.
Protein change: p.Thr183Ala; replaces threonine 183 with alanine.
Molecular consequence: missense variant.
Genome position (GRCh38, 1-based): chr6:73,473,376, A>G. VCF-style: chr6-73473376-A-G. GRCh37 (hg19) VCF-style: chr6-74183099-A-G.
Other names: c.547A>G, p.Thr183Ala (NM_001123226.2, NM_133645.3); short protein forms T183A.
Identifiers: ClinVar variation 408274 (VCV000408274.9), dbSNP rs779108851, ClinGen allele CA3889394.

ClinVar aggregate classification (germline): Uncertain significance. Review status: criteria provided, multiple submitters, no conflicts (2 of 4 stars). 2 submissions from 2 submitters: Uncertain significance (2). Last evaluated 2022-07-22.

Conditions:
Mitochondrial hypertrophic cardiomyopathy with lactic acidosis due to MTO1 deficiency. Also called: Combined oxidative phosphorylation deficiency 10; CARDIOMYOPATHY, INFANTILE HYPERTROPHIC MITOCHONDRIAL, AND LACTIC ACIDOSIS. Identifiers: Orphanet 314637, MedGen C4749921, MONDO:0013865, OMIM 614702.

Allele frequency attached by ClinVar (database versions not stated): gnomAD exomes 0.00001 and 0.00002; TOPMed 0.00003; gnomAD 0.00006 and 0.00005; ExAC 0.00003.
gnomAD v4.1: 15 of 1,605,696 alleles (0.00093%); highest among the groups gnomAD compares: African/African-American, 0.02%; no homozygotes.

Submissions (2):

Labcorp Genetics (formerly Invitae), Labcorp
Classification: Uncertain significance for Mitochondrial hypertrophic cardiomyopathy with lactic acidosis due to MTO1 deficiency. Last evaluated: 2022-07-22. Review status: criteria provided, single submitter. Criteria: Invitae Variant Classification Sherloc (09022015). Collection method: clinical testing. Allele origin: germline.
Comment: This sequence change replaces threonine, which is neutral and polar, with alanine, which is neutral and non-polar, at codon 183 of the MTO1 protein (p.Thr183Ala). This variant is present in population databases (rs779108851, gnomAD 0.03%). This variant has not been reported in the literature in individuals affected with MTO1-related conditions. ClinVar contains an entry for this variant (Variation ID: 408274). Algorithms developed to predict the effect of missense changes on protein structure and function output the following: SIFT: "Tolerated"; PolyPhen-2: "Benign"; Align-GVGD: "Class C0". The alanine amino acid residue is found in multiple mammalian species, which suggests that this missense change does not adversely affect protein function. In summary, the available evidence is currently insufficient to determine the role of this variant in disease. Therefore, it has been classified as a Variant of Uncertain Significance.

Stanford Center for Inherited Cardiovascular Disease, Stanford University
Classification: Uncertain significance. Last evaluated: 2017-03-21. Review status: criteria provided, single submitter. Criteria: ACMG Guidelines, 2015. Collection method: provider interpretation. Allele origin: germline.